The following is an entry in ClinVar:

ClinVar aggregate classification (germline): Uncertain significance (1 of 4 stars; one submission).

Conditions:
Peroxisome biogenesis disorder 5A (Zellweger) (PBD5A). Identifiers: Orphanet 912, MedGen C3553940, MONDO:0013932, OMIM 614866.

Submission:

Labcorp Genetics (formerly Invitae), Labcorp
Classification: Uncertain significance for Peroxisome biogenesis disorder 5A (Zellweger). Last evaluated: 2022-08-16. Review status: criteria provided, single submitter. Criteria: Invitae Variant Classification Sherloc (09022015). Collection method: clinical testing. Allele origin: germline.
Comment: In summary, the available evidence is currently insufficient to determine the role of this variant in disease. Therefore, it has been classified as a Variant of Uncertain Significance. Algorithms developed to predict the effect of missense changes on protein structure and function are either unavailable or do not agree on the potential impact of this missense change (SIFT: "Deleterious"; PolyPhen-2: "Probably Damaging"; Align-GVGD: "Class C0"). ClinVar contains an entry for this variant (Variation ID: 1349681). This variant has not been reported in the literature in individuals affected with PEX2-related conditions. This variant is not present in population databases (gnomAD no frequency). This sequence change replaces leucine, which is neutral and non-polar, with serine, which is neutral and polar, at codon 123 of the PEX2 protein (p.Leu123Ser).

NM_000318.3(PEX2):c.368T>C (p.Leu123Ser)

Gene: PEX2 (peroxisomal biogenesis factor 2; minus strand). Cytogenetic location: 8q21.13.
Variant type: single nucleotide variant.
Coding change: c.368T>C on transcript NM_000318.3 (MANE Select); coding-DNA position 368, T replaced by C.
Protein change: p.Leu123Ser; replaces leucine 123 with serine.
Molecular consequence: missense variant.
Genome position (GRCh38, 1-based): chr8:76,983,811, A>G on the plus strand (T>C on the coding strand, the complement: PEX2 is on the minus strand). VCF-style: chr8-76983811-A-G. GRCh37 (hg19) VCF-style: chr8-77896047-A-G.
Other names: c.368T>C, p.Leu123Ser (NM_001079867.2, NM_001172086.2, NM_001172087.2); short protein forms L123S.
Identifiers: ClinVar variation 1349681 (VCV001349681.8), dbSNP rs2132044164, ClinGen allele CA371557496.